The following is an entry in ClinVar:

NM_006593.4(TBR1):c.1220dup (p.Thr408fs)

Gene: TBR1 (T-box brain transcription factor 1; plus strand). Cytogenetic location: 2q24.2.
Variant type: Duplication.
Coding change: c.1220dup on transcript NM_006593.4 (MANE Select); coding-DNA position 1220, one base duplicated (T; older notation c.1220dupT).
Protein change: p.Thr408fs; shifts the reading frame from threonine 408.
Molecular consequence: frameshift variant.
Genome position (GRCh38, 1-based): chr2:161,423,398, T duplicated. VCF-style (leftmost placement, unchanged base first): chr2-161423397-C-CT. GRCh37 (hg19) VCF-style: chr2-162279908-C-CT.
Other names: short protein forms T408fs.
Identifiers: ClinVar variation 3254867 (VCV003254867.1), dbSNP rs2468098890.

ClinVar aggregate classification (germline): Pathogenic (1 of 4 stars; one submission).

Conditions:
Intellectual developmental disorder with autism and speech delay. Also called: Autism 5; AUTISM-RELATED SPEECH DELAY; PHRASE SPEECH DELAY, AUTISM-RELATED; AUTS5; Autism, susceptibility to, 5. Identifiers: MedGen C1853755, MONDO:0011627, OMIM 606053.

Submission:

Victorian Clinical Genetics Services, Murdoch Childrens Research Institute
Classification: Pathogenic for Intellectual developmental disorder with autism and speech delay. Last evaluated: 2023-07-17. Review status: criteria provided, single submitter. Criteria: ACMG Guidelines, 2015. Collection method: clinical testing. Allele origin: germline. Inheritance: Autosomal dominant inheritance.
Comment: Based on the classification scheme VCGS_Germline_v1.3.4, this variant is classified as Pathogenic. Following criteria are met: 0102 - Loss of function is a known mechanism of disease in this gene and is associated with intellectual developmental disorder with autism and speech delay (MIM#606053). Dominant negative has also been suggested as a mechanism of disease for missense variants (PMID: 25232744). (I) 0107 - This gene is associated with autosomal dominant disease. (I) 0204 - Variant is predicted to result in a truncated protein (premature termination codon is NOT located at least 54 nucleotides upstream of the final exon-exon junction) with at least 1/3 of the protein sequence affected. (SP) 0251 - This variant is heterozygous. (I) 0301 - Variant is absent from gnomAD (both v2 and v3). (SP) 0600 - Variant is located in the annotated T-box transcription factor-associated domain (DECIPHER). (I) 0701 - Other downstream truncating variants comparable to the one identified in this case have very strong previous evidence for pathogenicity (DECIPHER, PMID: 32005960). (SP) 0807 - This variant has no previous evidence of pathogenicity. (I) 0905 - No published segregation evidence has been identified for this variant. (I) 1007 - No published functional evidence has been identified for this variant. (SP) Legend: (SP) - Supporting pathogenic, (I) - Information, (SB) - Supporting benign

Literature cited by the submitters: PubMed 25232744; PubMed 32005960.